The following is an entry in ClinVar:

NM_014844.5(TECPR2):c.2579-238G>T

Gene: TECPR2 (tectonin beta-propeller repeat containing 2; plus strand). Cytogenetic location: 14q32.31.
Variant type: single nucleotide variant.
Coding change: c.2579-238G>T on transcript NM_014844.5 (MANE Select); 238 bases into the intron before coding-DNA position 2579, G replaced by T.
Molecular consequence: intron variant.
Genome position (GRCh38, 1-based): chr14:102,440,198, G>T. VCF-style: chr14-102440198-G-T. GRCh37 (hg19) VCF-style: chr14-102906535-G-T.
Other names: c.2579-238G>T (NM_001172631.3).
Identifiers: ClinVar variation 672795 (VCV000672795.1), dbSNP rs79844991, ClinGen allele CA267059561.

ClinVar aggregate classification (germline): Benign (1 of 4 stars; one submission).

Allele frequency attached by ClinVar (database versions not stated): 1000 Genomes Project 30x 0.04279; TOPMed 0.04212; gnomAD 0.04150; 1000 Genomes Project 0.04313.
gnomAD v4.1: 6,362 of 152,260 alleles (4.2%); highest among the groups gnomAD compares: Middle Eastern, 9.2%; 157 homozygotes.

Submission:

GeneDx
Classification: Benign. Last evaluated: 2018-06-14. Review status: criteria provided, single submitter. Criteria: GeneDx Variant Classification (06012015). Collection method: clinical testing. Allele origin: germline. Affected: yes.
Comment: This variant is considered likely benign or benign based on one or more of the following criteria: it is a conservative change, it occurs at a poorly conserved position in the protein, it is predicted to be benign by multiple in silico algorithms, and/or has population frequency not consistent with disease.